The following is an entry in ClinVar:

ClinVar aggregate classification (germline): Uncertain significance. Review status: criteria provided, multiple submitters, no conflicts (2 of 4 stars). 2 submissions from 2 submitters: Uncertain significance (2). Last evaluated 2025-08-06.

Allele frequency attached by ClinVar (database versions not stated): TOPMed 0.00001.
gnomAD v4.1: 6 of 1,608,496 alleles (0.00037%); highest among the groups gnomAD compares: Admixed American, 0.0034%; no homozygotes.

Submissions (2):

Ambry Genetics
Classification: Uncertain significance. Last evaluated: 2025-08-06. Review status: criteria provided, single submitter. Criteria: Ambry Variant Classification Scheme 2023. Collection method: clinical testing. Allele origin: germline.

Labcorp Genetics (formerly Invitae), Labcorp
Classification: Uncertain significance. Last evaluated: 2022-06-03. Review status: criteria provided, single submitter. Criteria: Invitae Variant Classification Sherloc (09022015). Collection method: clinical testing. Allele origin: germline.
Comment: This variant has not been reported in the literature in individuals affected with HMCN1-related conditions. In summary, the available evidence is currently insufficient to determine the role of this variant in disease. Therefore, it has been classified as a Variant of Uncertain Significance. Algorithms developed to predict the effect of missense changes on protein structure and function (SIFT, PolyPhen-2, Align-GVGD) all suggest that this variant is likely to be disruptive. This variant is present in population databases (rs746028576, gnomAD 0.006%). This sequence change replaces glycine, which is neutral and non-polar, with aspartic acid, which is acidic and polar, at codon 4920 of the HMCN1 protein (p.Gly4920Asp).

NM_031935.3(HMCN1):c.14759G>A (p.Gly4920Asp)

Gene: HMCN1 (hemicentin 1; plus strand). Cytogenetic location: 1q31.1.
Variant type: single nucleotide variant.
Coding change: c.14759G>A on transcript NM_031935.3 (MANE Select); coding-DNA position 14759, G replaced by A.
Protein change: p.Gly4920Asp; replaces glycine 4920 with aspartic acid.
Molecular consequence: missense variant.
Genome position (GRCh38, 1-based): chr1:186,151,606, G>A. VCF-style: chr1-186151606-G-A. GRCh37 (hg19) VCF-style: chr1-186120738-G-A.
Other names: c.14759G>A (NM_031935.2); short protein forms G4920D.
Identifiers: ClinVar variation 1914592 (VCV001914592.6), dbSNP rs746028576, ClinGen allele CA1295067.
Genomic context (GRCh38, chr1:186,151,606, plus strand): 5'-AAGACAATAAAATAGACTAAAAATTTTGCTATCACCTTATTTATCCTTTTTTTTCTTTAG[G>A]TTCAGCAATGAGAAAGATAGTTTCTATTCTAAATCCCATTTATTGGACAACAGCAAAGGA-3'
Protein context (NP_114141.2, residues 4910-4930): AKITNVPRSL[Gly4920Asp]SAMRKIVSIL